The following is an entry in ClinVar:

NM_005188.4(CBL):c.1795C>A (p.Pro599Thr)

Gene: CBL (Cbl proto-oncogene; plus strand). Cytogenetic location: 11q23.3.
Variant type: single nucleotide variant.
Coding change: c.1795C>A on transcript NM_005188.4 (MANE Select); coding-DNA position 1795, C replaced by A.
Protein change: p.Pro599Thr; replaces proline 599 with threonine.
Molecular consequence: missense variant.
Genome position (GRCh38, 1-based): chr11:119,285,420, C>A. VCF-style: chr11-119285420-C-A. GRCh37 (hg19) VCF-style: chr11-119156130-C-A.
Other names: short protein forms P599T.
Identifiers: ClinVar variation 477700 (VCV000477700.8), dbSNP rs1340017837, ClinGen allele CA382920417.

ClinVar aggregate classification (germline): Uncertain significance (1 of 4 stars; one submission).

Conditions:
RASopathy. Also called: rasopathies; Noonan spectrum disorder. Identifiers: Orphanet 536391, MedGen C5555857, MONDO:0021060.

Submission:

Labcorp Genetics (formerly Invitae), Labcorp
Classification: Uncertain significance for RASopathy. Last evaluated: 2022-03-20. Review status: criteria provided, single submitter. Criteria: Invitae Variant Classification Sherloc (09022015). Collection method: clinical testing. Allele origin: germline.
Comment: This variant has not been reported in the literature in individuals affected with CBL-related conditions. In summary, the available evidence is currently insufficient to determine the role of this variant in disease. Therefore, it has been classified as a Variant of Uncertain Significance. Advanced modeling of protein sequence and biophysical properties (such as structural, functional, and spatial information, amino acid conservation, physicochemical variation, residue mobility, and thermodynamic stability) performed at Invitae indicates that this missense variant is not expected to disrupt CBL protein function. ClinVar contains an entry for this variant (Variation ID: 477700). This variant is not present in population databases (gnomAD no frequency). This sequence change replaces proline, which is neutral and non-polar, with threonine, which is neutral and polar, at codon 599 of the CBL protein (p.Pro599Thr).